The following is an entry in ClinVar:

NM_004104.5(FASN):c.7327G>A (p.Val2443Met)

Genes: FASN (fatty acid synthase; minus strand), LOC129390948 (MPRA-validated peak3028 silencer; plus strand). Cytogenetic location: 17q25.3.
Variant type: single nucleotide variant.
Coding change: c.7327G>A on transcript NM_004104.5 (MANE Select); coding-DNA position 7327, G replaced by A.
Protein change: p.Val2443Met; replaces valine 2443 with methionine.
Molecular consequence: missense variant.
Genome position (GRCh38, 1-based): chr17:82,079,428, C>T on the plus strand (G>A on the coding strand, the complement: FASN is on the minus strand). VCF-style: chr17-82079428-C-T. GRCh37 (hg19) VCF-style: chr17-80037304-C-T.
Other names: short protein forms V2443M.
Identifiers: ClinVar variation 1418396 (VCV001418396.6), dbSNP rs750541652, ClinGen allele CA8851039.

ClinVar aggregate classification (germline): Uncertain significance (1 of 4 stars; one submission).

Conditions:
Epileptic encephalopathy. Identifiers: MedGen C0543888, HP:0200134.

Allele frequency attached by ClinVar (database versions not stated): gnomAD exomes 0.00001 and 0.00003; TOPMed 0.00001; ExAC 0.00003.
gnomAD v4.1: 18 of 1,613,074 alleles (0.0011%); highest among the groups gnomAD compares: East Asian, 0.033%; no homozygotes.

Submission:

Labcorp Genetics (formerly Invitae), Labcorp
Classification: Uncertain significance for Epileptic encephalopathy. Last evaluated: 2024-02-17. Review status: criteria provided, single submitter. Criteria: Invitae Variant Classification Sherloc (09022015). Collection method: clinical testing. Allele origin: germline.
Comment: This sequence change replaces valine, which is neutral and non-polar, with methionine, which is neutral and non-polar, at codon 2443 of the FASN protein (p.Val2443Met). This variant is present in population databases (rs750541652, gnomAD 0.03%). This variant has not been reported in the literature in individuals affected with FASN-related conditions. ClinVar contains an entry for this variant (Variation ID: 1418396). An algorithm developed to predict the effect of missense changes on protein structure and function (PolyPhen-2) suggests that this variant is likely to be disruptive. In summary, the available evidence is currently insufficient to determine the role of this variant in disease. Therefore, it has been classified as a Variant of Uncertain Significance.